The following is an entry in ClinVar:

NM_004995.4(MMP14):c.650C>G (p.Ser217Cys)

Gene: MMP14 (matrix metallopeptidase 14; plus strand). Cytogenetic location: 14q11.2.
Variant type: single nucleotide variant.
Coding change: c.650C>G on transcript NM_004995.4 (MANE Select); coding-DNA position 650, C replaced by G.
Protein change: p.Ser217Cys; replaces serine 217 with cysteine.
Molecular consequence: missense variant.
Genome position (GRCh38, 1-based): chr14:22,842,679, C>G. VCF-style: chr14-22842679-C-G. GRCh37 (hg19) VCF-style: chr14-23311888-C-G.
Other names: short protein forms S217C.
Identifiers: ClinVar variation 2695591 (VCV002695591.3), dbSNP rs2502065253, ClinGen allele CA388930725.
Genomic context (GRCh38, chr14:22,842,679, plus strand): 5'-GCTTCCTGGCCCATGCCTACTTCCCAGGCCCCAACATTGGAGGAGACACCCACTTTGACT[C>G]TGCCGAGCCTTGGACTGTCAGGAATGAGGATCTGAATGGTGAGCCAAGTATCCCTGGGAC-3'
Protein context (NP_004986.1, residues 207-227): PNIGGDTHFD[Ser217Cys]AEPWTVRNED

ClinVar aggregate classification (germline): Uncertain significance (1 of 4 stars; one submission).

Submission:

Labcorp Genetics (formerly Invitae), Labcorp
Classification: Uncertain significance. Last evaluated: 2023-11-13. Review status: criteria provided, single submitter. Criteria: Invitae Variant Classification Sherloc (09022015). Collection method: clinical testing. Allele origin: germline.
Comment: This sequence change replaces serine, which is neutral and polar, with cysteine, which is neutral and slightly polar, at codon 217 of the MMP14 protein (p.Ser217Cys). This variant is not present in population databases (gnomAD no frequency). This variant has not been reported in the literature in individuals affected with MMP14-related conditions. Advanced modeling of protein sequence and biophysical properties (such as structural, functional, and spatial information, amino acid conservation, physicochemical variation, residue mobility, and thermodynamic stability) performed at Invitae indicates that this missense variant is expected to disrupt MMP14 protein function with a positive predictive value of 80%. In summary, the available evidence is currently insufficient to determine the role of this variant in disease. Therefore, it has been classified as a Variant of Uncertain Significance.